The following is an entry in ClinVar:

NM_000038.6(APC):c.1446C>G (p.Asp482Glu)

Gene: APC (APC regulator of Wnt signaling pathway; plus strand). Cytogenetic location: 5q22.2.
Variant type: single nucleotide variant.
Coding change: c.1446C>G on transcript NM_000038.6 (MANE Select); coding-DNA position 1446, C replaced by G.
Protein change: p.Asp482Glu; replaces aspartic acid 482 with glutamic acid.
Molecular consequence: missense variant.
Genome position (GRCh38, 1-based): chr5:112,827,145, C>G. VCF-style: chr5-112827145-C-G. GRCh37 (hg19) VCF-style: chr5-112162842-C-G.
Other names: c.1446C>G, p.Asp482Glu (NM_001127510.3, NM_001354895.2); c.1392C>G, p.Asp464Glu (NM_001127511.3); c.1500C>G, p.Asp500Glu (NM_001354896.2); c.1476C>G, p.Asp492Glu (NM_001354897.2); c.1371C>G, p.Asp457Glu (NM_001354898.2); c.1362C>G, p.Asp454Glu (NM_001354899.2); c.1323C>G, p.Asp441Glu (NM_001354900.2); c.1269C>G, p.Asp423Glu (NM_001354901.2); and 5 more; short protein forms D356E, D423E, D441E, D464E, D322E, D381E, D391E, D199E.
Identifiers: ClinVar variation 925234 (VCV000925234.16), dbSNP rs1763766928, ClinGen allele CA16024469.

ClinVar aggregate classification (germline): Uncertain significance. Review status: criteria provided, multiple submitters, no conflicts (2 of 4 stars). 4 submissions from 4 submitters: Uncertain significance (4). Last evaluated 2025-11-24.

Conditions:
Hereditary cancer-predisposing syndrome. Also called: Neoplastic Syndromes, Hereditary; Tumor predisposition; Hereditary Cancer Syndrome; Hereditary neoplastic syndrome. Identifiers: Orphanet 140162, MedGen C0027672, MeSH D009386, MONDO:0015356.
Familial adenomatous polyposis 1 (FAP1). Also called: FAMILIAL ADENOMATOUS POLYPOSIS 1, ATTENUATED; POLYPOSIS, ADENOMATOUS INTESTINAL. Identifiers: MedGen C2713442, MONDO:0021056, OMIM 175100. Disease mechanism: loss of function.

Submissions (4):

Labcorp Genetics (formerly Invitae), Labcorp
Classification: Uncertain significance for Familial adenomatous polyposis 1. Last evaluated: 2025-11-24. Review status: criteria provided, single submitter. Criteria: Invitae Variant Classification Sherloc (09022015). Collection method: clinical testing. Allele origin: germline.
Comment: This sequence change replaces aspartic acid, which is acidic and polar, with glutamic acid, which is acidic and polar, at codon 482 of the APC protein (p.Asp482Glu). This variant is not present in population databases (gnomAD no frequency). This variant has not been reported in the literature in individuals affected with APC-related conditions. ClinVar contains an entry for this variant (Variation ID: 925234). Invitae Evidence Modeling of protein sequence and biophysical properties (such as structural, functional, and spatial information, amino acid conservation, physicochemical variation, residue mobility, and thermodynamic stability) indicates that this missense variant is not expected to disrupt APC protein function with a negative predictive value of 95%. In summary, the available evidence is currently insufficient to determine the role of this variant in disease. Therefore, it has been classified as a Variant of Uncertain Significance.

Ambry Genetics
Classification: Uncertain significance for Hereditary cancer-predisposing syndrome. Last evaluated: 2023-12-28. Review status: criteria provided, single submitter. Criteria: Ambry Variant Classification Scheme 2023. Collection method: clinical testing. Allele origin: germline.
Comment: The p.D482E variant (also known as c.1446C>G), located in coding exon 11 of the APC gene, results from a C to G substitution at nucleotide position 1446. The aspartic acid at codon 482 is replaced by glutamic acid, an amino acid with highly similar properties. This amino acid position is highly conserved in available vertebrate species. In addition, in silico predictors for this gene do not accurately predict pathogenicity. Since supporting evidence is limited at this time, the clinical significance of this alteration remains unclear.

Color Diagnostics, LLC DBA Color Health
Classification: Uncertain significance for Hereditary cancer-predisposing syndrome. Last evaluated: 2023-12-04. Review status: criteria provided, single submitter. Criteria: ACMG Guidelines, 2015. Collection method: clinical testing. Allele origin: germline.
Comment: This missense variant replaces aspartic acid with glutamic acid at codon 482 of the APC protein. Computational prediction tools and conservation analyses are inconclusive regarding the impact of this variant on protein structure and function. Splice site prediction tools suggest that this variant may not impact RNA splicing. To our knowledge, functional studies have not been performed for this variant. This variant has not been reported in individuals affected with hereditary cancer in the literature. This variant has not been identified in the general population by the Genome Aggregation Database (gnomAD). The available evidence is insufficient to determine the role of this variant in disease conclusively. Therefore, this variant is classified as a Variant of Uncertain Significance.

Women's Health and Genetics/Laboratory Corporation of America, LabCorp
Classification: Uncertain significance. Last evaluated: 2019-11-11. Review status: criteria provided, single submitter. Criteria: LabCorp Variant Classification Summary - May 2015. Collection method: clinical testing. Allele origin: germline.
Comment: Variant summary: APC c.1446C>G (p.Asp482Glu) results in a conservative amino acid change in the encoded protein sequence. Three of five in-silico tools predict a damaging effect of the variant on protein function. The variant was absent in 251172 control chromosomes. The available data on variant occurrences in the general population are insufficient to allow any conclusion about variant significance. To our knowledge, no occurrence of c.1446C>G in individuals affected with Familial Adenomatous Polyposis and no experimental evidence demonstrating its impact on protein function have been reported. No clinical diagnostic laboratories have submitted clinical-significance assessments for this variant to ClinVar after 2014. Based on the evidence outlined above, the variant was classified as uncertain significance.